The following is an entry in ClinVar:

NM_015102.5(NPHP4):c.1852G>A (p.Glu618Lys)

Gene: NPHP4 (nephrocystin 4; minus strand). Cytogenetic location: 1p36.31.
Variant type: single nucleotide variant.
Coding change: c.1852G>A on transcript NM_015102.5 (MANE Select); coding-DNA position 1852, G replaced by A.
Protein change: p.Glu618Lys; replaces glutamic acid 618 with lysine.
Molecular consequence: missense variant. On other transcripts: non-coding transcript variant (1).
Genome position (GRCh38, 1-based): chr1:5,905,395, C>T on the plus strand (G>A on the coding strand, the complement: NPHP4 is on the minus strand). VCF-style: chr1-5905395-C-T. GRCh37 (hg19) VCF-style: chr1-5965455-C-T.
Other names: c.313G>A, p.Glu105Lys (NM_001291593.2); c.316G>A, p.Glu106Lys (NM_001291594.2); short protein forms E618K, E106K, E105K.
Identifiers: ClinVar variation 240965 (VCV000240965.48), dbSNP rs571655, ClinGen allele CA554346.
Genomic context (GRCh38, chr1:5,905,395, plus strand): 5'-GACAATCTGATTCTTCCTTCTGAGGGTTAAACGTCACAGGTTCTGTAGCGCTGACAGCCT[C>T]GGCTGGCTGTTTATTGGCATCCAGAATCTCGGGAAAGCCGGAGGACTGCAGGAGCACCAT-3'
Protein context (NP_055917.1, residues 608-628): EILDANKQPA[Glu618Lys]AVSATEPVTF

ClinVar aggregate classification (germline): Benign/Likely benign. Review status: criteria provided, multiple submitters, no conflicts (2 of 4 stars). 12 submissions from 11 submitters: Benign (7); Likely benign (1). 4 of the submissions do not count toward it. Last evaluated 2026-02-01.

Conditions:
Kidney disorder. Also called: renal disease; Nephropathy; Kidney disease; Kidney Diseases; renal disorder. Identifiers: MedGen C0022658, MONDO:0005240, HP:0000112.
Nephronophthisis. Also called: Juvenile Nephronophthisis. Identifiers: Orphanet 655, MedGen C0687120, MONDO:0019005, HP:0000090.
Nephronophthisis 4 (NPHP4). Also called: NEPHRONOPHTHISIS 4, JUVENILE. Identifiers: Orphanet 655, MedGen C1847013, MONDO:0011752, OMIM 606966.
Senior-Loken syndrome 4 (SLSN4). Identifiers: Orphanet 3156, MedGen C1846979, MONDO:0011756, OMIM 606996.

Allele frequency attached by ClinVar (database versions not stated): 1000 Genomes Project 30x 0.00484; 1000 Genomes Project 0.00519; gnomAD 0.00983 and 0.01009; TOPMed 0.00984; ExAC 0.01026; gnomAD exomes 0.01037 and 0.01195; ESP Exome Variant Server 0.01122.
gnomAD v4.1: 19,058 of 1,613,372 alleles (1.2%); highest among the groups gnomAD compares: Middle Eastern, 3.4%; 159 homozygotes.

Submissions (12):

Labcorp Genetics (formerly Invitae), Labcorp
Classification: Benign for Nephronophthisis. Last evaluated: 2026-02-01. Review status: criteria provided, single submitter. Criteria: Invitae Variant Classification Sherloc (09022015). Collection method: clinical testing. Allele origin: germline.

CeGaT Center for Human Genetics Tuebingen
Classification: Benign. Last evaluated: 2026-01-01. Review status: criteria provided, single submitter. Criteria: CeGaT Center For Human Genetics Tuebingen Variant Classification Criteria Version 2. Collection method: clinical testing. Allele origin: germline. Affected: yes. Observed: 8 variant alleles.
Comment: NPHP4: BS1, BS2

Mayo Clinic Laboratories, Mayo Clinic
Classification: Benign. Last evaluated: 2022-01-05. Review status: criteria provided, single submitter. Criteria: ACMG Guidelines, 2015. Collection method: clinical testing. Allele origin: germline. Observed: 10 variant alleles.
Comment: BA1

Genome Diagnostics Laboratory, The Hospital for Sick Children
Classification: Likely benign for Kidney disorder. Last evaluated: 2019-03-01. Review status: criteria provided, single submitter. Criteria: ACMG Guidelines, 2015. Collection method: clinical testing. Allele origin: germline.

Illumina Laboratory Services, Illumina
Classification: Benign for Nephronophthisis 4. Last evaluated: 2017-04-27. Review status: criteria provided, single submitter. Criteria: ICSL Variant Classification Criteria 13 December 2019. Collection method: clinical testing. Allele origin: germline.
Comment: This variant was observed as part of a predisposition screen in an ostensibly healthy population. A literature search was performed for the gene, cDNA change, and amino acid change (where applicable). No publications were found based on this search. Allele frequency data from public databases was too high to be consistent with this variant causing disease. Therefore, this variant is classified as benign.

Illumina Laboratory Services, Illumina
Classification: Benign for Senior-Loken syndrome 4. Last evaluated: 2017-04-27. Review status: criteria provided, single submitter. Criteria: ICSL Variant Classification Criteria 13 December 2019. Collection method: clinical testing. Allele origin: germline.
Comment: the same text as in the submission from Illumina Laboratory Services, Illumina above.

Breakthrough Genomics
Classification: Benign. Review status: criteria provided, single submitter. Criteria: ACMG Guidelines, 2015. Collection method: not provided. Allele origin: germline. Inheritance: Autosomal recessive inheritance. Affected: yes.

PreventionGenetics, part of Exact Sciences
Classification: Benign. Review status: criteria provided, single submitter. Criteria: ACMG Guidelines, 2015. Collection method: clinical testing. Allele origin: germline.

Clinical Genetics DNA and cytogenetics Diagnostics Lab, Erasmus MC, Erasmus Medical Center
Classification: Likely benign. Review status: no assertion criteria provided. Collection method: clinical testing. Allele origin: germline. Affected: yes. Study: VKGL Data-share Consensus. Not counted in ClinVar's aggregate classification.

Genome Diagnostics Laboratory, University Medical Center Utrecht
Classification: Benign. Review status: no assertion criteria provided. Collection method: clinical testing. Allele origin: germline. Affected: yes. Study: VKGL Data-share Consensus. Not counted in ClinVar's aggregate classification.

Laboratory of Diagnostic Genome Analysis, Leiden University Medical Center (LUMC)
Classification: Likely benign. Review status: no assertion criteria provided. Collection method: clinical testing. Allele origin: germline. Affected: yes. Study: VKGL Data-share Consensus. Not counted in ClinVar's aggregate classification.

Tolun Lab, Human Genetics Laboratory, Bogazici University
Classification: Uncertain significance for Nephronophthisis 4. Review status: no assertion criteria provided. Collection method: research. Allele origin: inherited. Inheritance: Autosomal recessive inheritance. Affected: yes. Observed: 3 variant alleles, 3 heterozygotes. Clinical features observed: Polydactyly, Intellectual disability, Rod-cone dystrophy, obesity. Not counted in ClinVar's aggregate classification.

Literature cited by the submitters: PubMed 15776426 (cited by Mayo Clinic Laboratories, Mayo Clinic); PubMed 29127258 (cited by Tolun Lab, Human Genetics Laboratory, Bogazici University).